The following is an entry in ClinVar:

NM_000393.5(COL5A2):c.1051G>C (p.Gly351Arg)

Gene: COL5A2 (collagen type V alpha 2 chain; minus strand). Cytogenetic location: 2q32.2.
Variant type: single nucleotide variant.
Coding change: c.1051G>C on transcript NM_000393.5 (MANE Select); coding-DNA position 1051, G replaced by C.
Protein change: p.Gly351Arg; replaces glycine 351 with arginine.
Molecular consequence: missense variant.
Genome position (GRCh38, 1-based): chr2:189,078,524, C>G on the plus strand (G>C on the coding strand, the complement: COL5A2 is on the minus strand). VCF-style: chr2-189078524-C-G. GRCh37 (hg19) VCF-style: chr2-189943250-C-G.
Other names: short protein forms G351R.
Identifiers: ClinVar variation 4844993 (VCV004844993.1).

ClinVar aggregate classification (germline): Uncertain significance (1 of 4 stars; one submission).

Conditions:
Familial thoracic aortic aneurysm and aortic dissection (TAAD). Also called: Thoracic aortic aneurysms and dissections. Identifiers: Orphanet 91387, MedGen C4707243, MONDO:0019625.

Submission:

Ambry Genetics
Classification: Uncertain significance for Familial thoracic aortic aneurysm and aortic dissection. Last evaluated: 2026-02-13. Review status: criteria provided, single submitter. Criteria: Ambry Variant Classification Scheme 2023. Collection method: clinical testing. Allele origin: germline.
Comment: The p.G351R variant (also known as c.1051G>C), located in coding exon 16 of the COL5A2 gene, results from a G to C substitution at nucleotide position 1051. The glycine at codon 351 is replaced by arginine, an amino acid with dissimilar properties. This amino acid position is conserved. In addition, this alteration is predicted to be deleterious by in silico analysis. Based on the available evidence, the clinical significance of this variant remains unclear.